The following is an entry in ClinVar:

NM_006279.5(ST3GAL3):c.58C>G (p.Leu20Val)

Gene: ST3GAL3 (ST3 beta-galactoside alpha-2,3-sialyltransferase 3; plus strand). Cytogenetic location: 1p34.1.
Variant type: single nucleotide variant.
Coding change: c.58C>G on transcript NM_006279.5 (MANE Select); coding-DNA position 58, C replaced by G.
Protein change: p.Leu20Val; replaces leucine 20 with valine.
Molecular consequence: missense variant. On other transcripts: 5 prime UTR variant (1), non-coding transcript variant (8).
Genome position (GRCh38, 1-based): chr1:43,736,320, C>G. VCF-style: chr1-43736320-C-G. GRCh37 (hg19) VCF-style: chr1-44201991-C-G.
Other names: c.58C>G, p.Leu20Val (NM_001270459.2, NM_001270460.2, NM_001270461.3 and 17 more transcripts); c.-396C>G (NM_001350621.2); short protein forms L20V.
Identifiers: ClinVar variation 960319 (VCV000960319.10), dbSNP rs1678418453, ClinGen allele CA340030623.
Genomic context (GRCh38, chr1:43,736,320, plus strand): 5'-AAGATGGGACTCTTGGTATTTGTGCGCAATCTGCTGCTAGCCCTCTGCCTCTTTCTGGTA[C>G]TGGGATTTTTGTATTATTCTGCGTGGAAGCTACACTTACTCCAGTGGGAGGAGGACTCCA-3'
Protein context (NP_006270.1, residues 10-30): LLLALCLFLV[Leu20Val]GFLYYSAWKL

ClinVar aggregate classification (germline): Uncertain significance (1 of 4 stars; one submission).

Conditions:
Early-infantile DEE. Also called: Early infantile epileptic encephalopathy; Ohtahara syndrome; Early infantile epileptic encephalopathy with suppression bursts. Identifiers: Orphanet 1934, MedGen C0393706, MONDO:0800491.

Submission:

Labcorp Genetics (formerly Invitae), Labcorp
Classification: Uncertain significance for Early-infantile DEE. Last evaluated: 2020-03-29. Review status: criteria provided, single submitter. Criteria: Invitae Variant Classification Sherloc (09022015). Collection method: clinical testing. Allele origin: germline.
Comment: In summary, the available evidence is currently insufficient to determine the role of this variant in disease. Therefore, it has been classified as a Variant of Uncertain Significance. Algorithms developed to predict the effect of sequence changes on RNA splicing suggest that this variant may create or strengthen a splice site, but this prediction has not been confirmed by published transcriptional studies. Algorithms developed to predict the effect of missense changes on protein structure and function are either unavailable or do not agree on the potential impact of this missense change (SIFT: "Deleterious"; PolyPhen-2: "Benign"; Align-GVGD: "Class C0"). This variant has not been reported in the literature in individuals with ST3GAL3-related conditions. This variant is not present in population databases (ExAC no frequency). This sequence change replaces leucine with valine at codon 20 of the ST3GAL3 protein (p.Leu20Val). The leucine residue is moderately conserved and there is a small physicochemical difference between leucine and valine.